The following is an entry in ClinVar:

NM_007294.4(BRCA1):c.5196T>A (p.His1732Gln)

Gene: BRCA1 (BRCA1 DNA repair associated; minus strand). Cytogenetic location: 17q21.31.
Variant type: single nucleotide variant.
Coding change: c.5196T>A on transcript NM_007294.4 (MANE Select); coding-DNA position 5196, T replaced by A.
Protein change: p.His1732Gln; replaces histidine 1732 with glutamine.
Molecular consequence: missense variant. On other transcripts: non-coding transcript variant (1).
Genome position (GRCh38, 1-based): chr17:43,057,133, A>T on the plus strand (T>A on the coding strand, the complement: BRCA1 is on the minus strand). VCF-style: chr17-43057133-A-T. GRCh37 (hg19) VCF-style: chr17-41209150-A-T.
Other names: c.1761T>A, p.His587Gln (NM_001408435.1, NM_001408436.1, NM_001408437.1 and 10 more transcripts); c.1746T>A, p.His582Gln (NM_001408455.1, NM_001408456.1, NM_001408457.1 and 3 more transcripts); c.1743T>A, p.His581Gln (NM_001408458.1, NM_001408459.1, NM_001408460.1 and 7 more transcripts); c.1683T>A, p.His561Gln (NM_001408475.1, NM_001408476.1); c.1677T>A, p.His559Gln (NM_001408478.1, NM_001408479.1, NM_001408480.1); c.1674T>A, p.His558Gln (NM_001408481.1, NM_001408482.1, NM_001408483.1 and 5 more transcripts); c.1623T>A, p.His541Gln (NM_001408498.1, NM_001408499.1, NM_001408500.1 and 3 more transcripts); c.1620T>A, p.His540Gln (NM_001408502.1, NM_001408503.1, NM_001408504.1); and 72 more; short protein forms H1753Q, H1732Q, H628Q, H1685Q, H1436Q, H1605Q, H1642Q, H1662Q.
Identifiers: ClinVar variation 825529 (VCV000825529.7), dbSNP rs1567764670, ClinGen allele CA10591141.
Genomic context (GRCh38, chr17:43,057,133, plus strand): 5'-TGCTCGCTTTGGACCTTGGTGGTTTCTTCCATTGACCACATCTCCTCTGACTTCAAAATC[A>T]TGCTGAAAGAAACCAAACACAACCCATCAGGATAAGAGAAAGAGAAGCTTCCTTCAATGG-3'
Protein context (NP_009225.1, residues 1722-1742): SIKERKMLNE[His1732Gln]DFEVRGDVVN

ClinVar aggregate classification (germline): Uncertain significance (1 of 4 stars; one submission).

Conditions:
Hereditary cancer-predisposing syndrome. Also called: Hereditary Cancer Syndrome; Hereditary neoplastic syndrome; Neoplastic Syndromes, Hereditary; Tumor predisposition. Identifiers: Orphanet 140162, MedGen C0027672, MeSH D009386, MONDO:0015356.

Submissions (2):

Ambry Genetics
Classification: Uncertain significance for Hereditary cancer-predisposing syndrome. Last evaluated: 2019-05-08. Review status: criteria provided, single submitter. Criteria: Ambry Variant Classification Scheme 2023. Collection method: clinical testing. Allele origin: germline.
Comment: The p.H1732Q variant (also known as c.5196T>A), located in coding exon 18 of the BRCA1 gene, results from a T to A substitution at nucleotide position 5196. The histidine at codon 1732 is replaced by glutamine, an amino acid with highly similar properties. One functional study found that this nucleotide substitution is tolerated in a high throughput genome editing haploid cell survival assay (Findlay GM et al. Nature, 2018 10;562:217-222). This amino acid position is not well conserved in available vertebrate species. In addition, the in silico prediction for this alteration is inconclusive. Since supporting evidence is limited at this time, the clinical significance of this alteration remains unclear.

Brotman Baty Institute, University of Washington
No classification provided (evidence only). Condition: Breast-ovarian cancer, familial 1. Review status: no classification provided. Collection method: in vitro. Allele origin: not applicable. Functional consequence: functionally_normal. Not counted in ClinVar's aggregate classification.
ClinVar note: "not provided" was previously submitted as the classification for the variant. However, the classification appeared to be based only on an observation of functional data so it was converted to no classification on 2025-07-30.

Literature cited by the submitters: PubMed 30209399 (cited by Ambry Genetics).